The following is an entry in ClinVar:

ClinVar aggregate classification (germline): Benign (0 of 4 stars; one submission).

Conditions:
NLRP5-related disorder. Also called: NLRP5-related condition.

Allele frequency attached by ClinVar (database versions not stated): TOPMed 0.06073; 1000 Genomes Project 30x 0.04201; ExAC 0.04798; ESP Exome Variant Server 0.05900; 1000 Genomes Project 0.04193; gnomAD 0.06043.

Submission:

PreventionGenetics, part of Exact Sciences
Classification: Benign for NLRP5-related condition. Last evaluated: 2019-05-23. Review status: no assertion criteria provided. Collection method: clinical testing. Allele origin: germline.
Comment: This variant is classified as benign based on ACMG/AMP sequence variant interpretation guidelines (Richards et al. 2015 PMID: 25741868, with internal and published modifications).

NM_001433705.1(NLRP5):c.1080C>T (p.Asp360=)

Genes: NLRP5 (NLR family pyrin domain containing 5; plus strand), LOC126862935 (BRD4-independent group 4 enhancer GRCh37_chr19:56537936-56539135; plus strand). Cytogenetic location: 19q13.43.
Variant type: single nucleotide variant.
Coding change: c.1080C>T on transcript NM_001433705.1 (MANE Select); coding-DNA position 1080, C replaced by T.
Protein change: p.Asp360=; no amino-acid change (aspartic acid 360 retained).
Molecular consequence: synonymous variant.
Genome position (GRCh38, 1-based): chr19:56,027,466, C>T. VCF-style: chr19-56027466-C-T. GRCh37 (hg19) VCF-style: chr19-56538832-C-T.
Other names: NM_153447.4:c.1233C>T.
Identifiers: ClinVar variation 3059594 (VCV003059594.2), dbSNP rs1808663, ClinGen allele CA9685490.